The following is an entry in ClinVar:

NM_013444.4(UBQLN2):c.1481C>T (p.Pro494Leu)

Gene: UBQLN2 (ubiquilin 2; plus strand). Cytogenetic location: Xp11.21.
Variant type: single nucleotide variant.
Coding change: c.1481C>T on transcript NM_013444.4 (MANE Select); coding-DNA position 1481, C replaced by T.
Protein change: p.Pro494Leu; replaces proline 494 with leucine.
Molecular consequence: missense variant.
Genome position (GRCh38, 1-based): chrX:56,565,354, C>T. VCF-style: chrX-56565354-C-T. GRCh37 (hg19) VCF-style: chrX-56591787-C-T.
Other names: short protein forms P494L.
Identifiers: ClinVar variation 2138583 (VCV002138583.4), dbSNP rs2519963306, ClinGen allele CA413380660.

ClinVar aggregate classification (germline): Uncertain significance (1 of 4 stars; one submission).

Conditions:
Amyotrophic lateral sclerosis type 15. Also called: AMYOTROPHIC LATERAL SCLEROSIS 15 WITH FRONTOTEMPORAL DEMENTIA. Identifiers: Orphanet 803, MedGen C3275459, MONDO:0010459, OMIM 300857.

Submission:

Labcorp Genetics (formerly Invitae), Labcorp
Classification: Uncertain significance for Amyotrophic lateral sclerosis type 15. Last evaluated: 2022-08-30. Review status: criteria provided, single submitter. Criteria: Invitae Variant Classification Sherloc (09022015). Collection method: clinical testing. Allele origin: germline.
Comment: This missense change has been observed in individual(s) with amyotrophic lateral sclerosis (PMID: 28716533). In summary, the available evidence is currently insufficient to determine the role of this variant in disease. Therefore, it has been classified as a Variant of Uncertain Significance. Experimental studies have shown that this missense change affects UBQLN2 function (PMID: 28716533). Algorithms developed to predict the effect of missense changes on protein structure and function are either unavailable or do not agree on the potential impact of this missense change (SIFT: "Not Available"; PolyPhen-2: "Benign"; Align-GVGD: "Not Available"). This variant is not present in population databases (gnomAD no frequency). This sequence change replaces proline, which is neutral and non-polar, with leucine, which is neutral and non-polar, at codon 494 of the UBQLN2 protein (p.Pro494Leu).

Literature cited by the submitters: PubMed 28716533.